The following is an entry in ClinVar:

ClinVar aggregate classification (germline): Pathogenic (1 of 4 stars; one submission).

Submission:

Labcorp Genetics (formerly Invitae), Labcorp
Classification: Pathogenic. Last evaluated: 2023-08-22. Review status: criteria provided, single submitter. Criteria: Invitae Variant Classification Sherloc (09022015). Collection method: clinical testing. Allele origin: unknown.
Comment: This variant is a gross deletion of the genomic region encompassing exon(s) 9-14 of the COL4A3 gene. This variant would be expected to be in-frame, preserving the integrity of the reading frame. This variant has not been reported in the literature in individuals affected with COL4A3-related conditions. This variant disrupts a region of the COL4A3 protein in which other variant(s) (p.Gly265Glu) have been determined to be pathogenic (PMID: 24052634; Invitae). This suggests that this is a clinically significant region of the protein, and that variants that disrupt it are likely to be disease-causing. For these reasons, this variant has been classified as Pathogenic.

Literature cited by the submitters: PubMed 24052634.

NC_000002.11:g.(?_228113139)_(228118910_?)del

Gene: COL4A3 (collagen type IV alpha 3 chain; plus strand). Cytogenetic location: 2q36.3.
Variant type: Deletion.
Identifiers: ClinVar variation 3247439 (VCV003247439.1).